The following is an entry in ClinVar:

ClinVar aggregate classification (germline): Uncertain significance. Review status: criteria provided, multiple submitters, no conflicts (2 of 4 stars). 2 submissions from 2 submitters: Uncertain significance (2). Last evaluated 2024-12-26.

Allele frequency attached by ClinVar (database versions not stated): ExAC 0.00001; gnomAD exomes 0.00002; gnomAD 0.00005; TOPMed 0.00010.
gnomAD v4.1: 47 of 1,614,108 alleles (0.0029%); highest among the groups gnomAD compares: African/African-American, 0.019%; no homozygotes.

Submissions (2):

Women's Health and Genetics/Laboratory Corporation of America, LabCorp
Classification: Uncertain significance. Last evaluated: 2024-12-26. Review status: criteria provided, single submitter. Criteria: LabCorp Variant Classification Summary - May 2015. Collection method: clinical testing. Allele origin: germline.
Comment: Variant summary: CAD c.959A>G (p.Asn320Ser) results in a conservative amino acid change in the encoded protein sequence. Four of five in-silico tools predict a damaging effect of the variant on protein function. The variant allele was found at a frequency of 2.4e-05 in 251334 control chromosomes. The available data on variant occurrences in the general population are insufficient to allow any conclusion about variant significance. c.959A>G has been reported in the literature in the compound heterozygous state in at least one individual affected with CAD deficiency (DelCano-Ochoa_2020). These report(s) do not provide unequivocal conclusions about association of the variant with Early Infantile Epileptic Encephalopathy, 50. At least one publication reports experimental evidence evaluating an impact on protein function showing that this variant showed a partial rescue in human CAD knockout cells (DelCano-Ochoa_2020). The following publication have been ascertained in the context of this evaluation (PMID: 32461667). ClinVar contains an entry for this variant (Variation ID: 1501215). Based on the evidence outlined above, the variant was classified as uncertain significance.

Labcorp Genetics (formerly Invitae), Labcorp
Classification: Uncertain significance. Last evaluated: 2022-03-16. Review status: criteria provided, single submitter. Criteria: Invitae Variant Classification Sherloc (09022015). Collection method: clinical testing. Allele origin: germline.
Comment: This sequence change replaces asparagine, which is neutral and polar, with serine, which is neutral and polar, at codon 320 of the CAD protein (p.Asn320Ser). This variant is present in population databases (rs543954596, gnomAD 0.01%). This variant has not been reported in the literature in individuals affected with CAD-related conditions. Algorithms developed to predict the effect of missense changes on protein structure and function output the following: SIFT: "Tolerated"; PolyPhen-2: "Possibly Damaging"; Align-GVGD: "Class C0". The serine amino acid residue is found in multiple mammalian species, which suggests that this missense change does not adversely affect protein function. Algorithms developed to predict the effect of sequence changes on RNA splicing suggest that this variant may create or strengthen a splice site. In summary, the available evidence is currently insufficient to determine the role of this variant in disease. Therefore, it has been classified as a Variant of Uncertain Significance.

Literature cited by the submitters: PubMed 32461667 (cited by Women's Health and Genetics/Laboratory Corporation of America, LabCorp).

NM_004341.5(CAD):c.959A>G (p.Asn320Ser)

Gene: CAD (carbamoyl-phosphate synthetase 2, aspartate transcarbamylase, and dihydroorotase; plus strand). Cytogenetic location: 2p23.3.
Variant type: single nucleotide variant.
Coding change: c.959A>G on transcript NM_004341.5 (MANE Select); coding-DNA position 959, A replaced by G.
Protein change: p.Asn320Ser; replaces asparagine 320 with serine.
Molecular consequence: missense variant.
Genome position (GRCh38, 1-based): chr2:27,223,712, A>G. VCF-style: chr2-27223712-A-G. GRCh37 (hg19) VCF-style: chr2-27446580-A-G.
Other names: c.959A>G, p.Asn320Ser (NM_001306079.2); short protein forms N320S.
Identifiers: ClinVar variation 1501215 (VCV001501215.4), dbSNP rs543954596, ClinGen allele CA1572558.